The following is an entry in ClinVar:

ClinVar aggregate classification (germline): Benign (1 of 4 stars; one submission).

Allele frequency attached by ClinVar (database versions not stated): ExAC 0.46164; 1000 Genomes Project 0.14996; gnomAD exomes 0.47136.

Submission:

Laboratory for Molecular Medicine, Mass General Brigham Personalized Medicine
Classification: Benign. Last evaluated: 2016-03-29. Review status: criteria provided, single submitter. Criteria: LMM Criteria. Collection method: clinical testing. Allele origin: germline.
Comment: Variant identified in a genome or exome case(s) and assessed due to predicted null impact of the variant or pathogenic assertions in the literature or databases. Disclaimer: This variant has not undergone full assessment. The following are preliminary notes: Frequency

NM_178034.4(PLA2G4D):c.387+14T>G

Gene: PLA2G4D (phospholipase A2 group IVD; minus strand). Cytogenetic location: 15q15.1.
Variant type: single nucleotide variant.
Coding change: c.387+14T>G on transcript NM_178034.4 (MANE Select); 14 bases into the intron after coding-DNA position 387, T replaced by G.
Molecular consequence: intron variant.
Genome position (GRCh38, 1-based): chr15:42,086,199, A>C on the plus strand (T>G on the coding strand, the complement: PLA2G4D is on the minus strand). VCF-style: chr15-42086199-A-C. GRCh37 (hg19) VCF-style: chr15-42378397-A-C.
Identifiers: ClinVar variation 403315 (VCV000403315.4), dbSNP rs563112904, ClinGen allele CA7506852.